The following is an entry in ClinVar:

NM_014847.4(UBAP2L):c.702G>A (p.Thr234=)

Gene: UBAP2L (ubiquitin associated protein 2 like; plus strand). Cytogenetic location: 1q21.3.
Variant type: single nucleotide variant.
Coding change: c.702G>A on transcript NM_014847.4 (MANE Select); coding-DNA position 702, G replaced by A.
Protein change: p.Thr234=; no amino-acid change (threonine 234 retained).
Molecular consequence: synonymous variant.
Genome position (GRCh38, 1-based): chr1:154,237,135, G>A. VCF-style: chr1-154237135-G-A. GRCh37 (hg19) VCF-style: chr1-154209611-G-A.
Other names: c.681G>A, p.Thr227= (NM_001287815.1); c.735G>A, p.Thr245= (NM_001287816.1, NM_001330730.1, NM_001375612.1 and 2 more transcripts); c.702G>A, p.Thr234= (NM_001375614.1, NM_001375615.1, NM_001375616.1 and 14 more transcripts).
Identifiers: ClinVar variation 5038944 (VCV005038944.1).

ClinVar aggregate classification (germline): Likely benign (1 of 4 stars; one submission).

gnomAD v4.1: 690 of 1,611,430 alleles (0.043%); highest among the groups gnomAD compares: East Asian, 1.4%; 4 homozygotes.

Submission:

CeGaT Center for Human Genetics Tuebingen
Classification: Likely benign. Last evaluated: 2026-07-01. Review status: criteria provided, single submitter. Criteria: CeGaT Center For Human Genetics Tuebingen Variant Classification Criteria Version 2. Collection method: clinical testing. Allele origin: germline. Affected: yes. Observed: 1 variant allele.
Comment: UBAP2L: BP4, BP7, BS1